The following is an entry in ClinVar:

ClinVar aggregate classification (germline): Uncertain significance. Review status: criteria provided, multiple submitters, no conflicts (2 of 4 stars). 3 submissions from 3 submitters: Uncertain significance (3). Last evaluated 2023-06-29.

Conditions:
Hereditary diffuse gastric adenocarcinoma (HDGC). Also called: DIFFUSE GASTRIC AND LOBULAR BREAST CANCER SYNDROME. Identifiers: Orphanet 26106, MedGen C1708349, MONDO:0007648, OMIM 137215.
Hereditary cancer-predisposing syndrome. Also called: Hereditary neoplastic syndrome; Tumor predisposition; Hereditary Cancer Syndrome; Neoplastic Syndromes, Hereditary. Identifiers: Orphanet 140162, MedGen C0027672, MeSH D009386, MONDO:0015356.

Submissions (3):

GeneDx
Classification: Uncertain significance. Last evaluated: 2023-06-29. Review status: criteria provided, single submitter. Criteria: GeneDx Variant Classification Process June 2021. Collection method: clinical testing. Allele origin: germline. Affected: yes.
Comment: Not observed at significant frequency in large population cohorts (gnomAD); In silico analysis supports that this missense variant has a deleterious effect on protein structure/function; Has not been previously published as pathogenic or benign to our knowledge; This variant is associated with the following publications: (PMID: 25925381, 15235021, 22850631)

Ambry Genetics
Classification: Uncertain significance for Hereditary cancer-predisposing syndrome. Last evaluated: 2021-08-23. Review status: criteria provided, single submitter. Criteria: Ambry Variant Classification Scheme 2023. Collection method: clinical testing. Allele origin: germline.
Comment: The p.A592D variant (also known as c.1775C>A), located in coding exon 12 of the CDH1 gene, results from a C to A substitution at nucleotide position 1775. The alanine at codon 592 is replaced by aspartic acid, an amino acid with dissimilar properties. This amino acid position is poorly conserved in available vertebrate species. In addition, this alteration is predicted to be tolerated by in silico analysis. Since supporting evidence is limited at this time, the clinical significance of this alteration remains unclear.

Labcorp Genetics (formerly Invitae), Labcorp
Classification: Uncertain significance for Hereditary diffuse gastric adenocarcinoma. Last evaluated: 2018-02-27. Review status: criteria provided, single submitter. Criteria: Invitae Variant Classification Sherloc (09022015). Collection method: clinical testing. Allele origin: germline.
Comment: This sequence change replaces alanine with aspartic acid at codon 592 of the CDH1 protein (p.Ala592Asp). The alanine residue is moderately conserved and there is a moderate physicochemical difference between alanine and aspartic acid. This variant is not present in population databases (ExAC no frequency). This variant has not been reported in the literature in individuals with CDH1-related disease. Algorithms developed to predict the effect of missense changes on protein structure and function do not agree on the potential impact of this missense change (SIFT: "Deleterious"; PolyPhen-2: "Benign"; Align-GVGD: "Class C15"). In summary, the available evidence is currently insufficient to determine the role of this variant in disease. Therefore, it has been classified as a Variant of Uncertain Significance.

NM_004360.5(CDH1):c.1775C>A (p.Ala592Asp)

Gene: CDH1 (cadherin 1; plus strand). Cytogenetic location: 16q22.1.
Variant type: single nucleotide variant.
Coding change: c.1775C>A on transcript NM_004360.5 (MANE Select); coding-DNA position 1775, C replaced by A.
Protein change: p.Ala592Asp; replaces alanine 592 with aspartic acid.
Molecular consequence: missense variant. On other transcripts: 5 prime UTR variant (1).
Genome position (GRCh38, 1-based): chr16:68,822,064, C>A. VCF-style: chr16-68822064-C-A. GRCh37 (hg19) VCF-style: chr16-68855967-C-A.
Other names: c.1775C>A (LRG_301t1); c.1592C>A, p.Ala531Asp (NM_001317184.2); c.227C>A, p.Ala76Asp (NM_001317185.2); c.-191C>A (NM_001317186.2); short protein forms A592D, A531D, A76D.
Identifiers: ClinVar variation 578375 (VCV000578375.12), dbSNP rs786202059, ClinGen allele CA396466589.